The following is an entry in ClinVar:

ClinVar aggregate classification (germline): Pathogenic (1 of 4 stars; one submission).

Submission:

Labcorp Genetics (formerly Invitae), Labcorp
Classification: Pathogenic. Last evaluated: 2025-06-17. Review status: criteria provided, single submitter. Criteria: Invitae Variant Classification Sherloc (09022015). Collection method: clinical testing. Allele origin: germline.
Comment: This sequence change creates a premature translational stop signal (p.Gln278*) in the SCLT1 gene. It is expected to result in an absent or disrupted protein product. Loss-of-function variants in SCLT1 are known to be pathogenic (PMID: 28005958). This variant is not present in population databases (gnomAD no frequency). This premature translational stop signal has been observed in individual(s) with SCLT1-related conditions (PMID: 37230223). Algorithms developed to predict the effect of sequence changes on RNA splicing suggest that this variant may disrupt the consensus splice site. For these reasons, this variant has been classified as Pathogenic.

Literature cited by the submitters: PubMed 28005958; PubMed 37230223.

NM_144643.4(SCLT1):c.832C>T (p.Gln278Ter)

Gene: SCLT1 (sodium channel and clathrin linker 1; minus strand). Cytogenetic location: 4q28.2.
Variant type: single nucleotide variant.
Coding change: c.832C>T on transcript NM_144643.4 (MANE Select); coding-DNA position 832, C replaced by T.
Protein change: p.Gln278Ter; replaces glutamine 278 with a stop codon.
Molecular consequence: nonsense.
Genome position (GRCh38, 1-based): chr4:128,965,264, G>A on the plus strand (C>T on the coding strand, the complement: SCLT1 is on the minus strand). VCF-style: chr4-128965264-G-A. GRCh37 (hg19) VCF-style: chr4-129886419-G-A.
Other names: c.832C>T, p.Gln278Ter (NM_001410807.1); short protein forms Q278*.
Identifiers: ClinVar variation 4762874 (VCV004762874.1).
Genomic context (GRCh38, chr4:128,965,264, plus strand): 5'-GCTAGGTGCATTTAACAATTTACCTTATTTCTAATTGTTTTATACTAGACTGTAACTGCT[G>A]TAAACGCCTATCTGATGCTTCCTCTCTTCCATGGGCAGACACCACATCCTTCTCCTAGAA-3'